The following is an entry in ClinVar:

ClinVar aggregate classification (germline): Uncertain significance (1 of 4 stars; one submission).

Conditions:
Nephrolithiasis/nephrocalcinosis. Identifiers: MedGen CN580796.

Submission:

Ambry Genetics
Classification: Uncertain significance for Nephrolithiasis/nephrocalcinosis. Last evaluated: 2023-08-29. Review status: criteria provided, single submitter. Criteria: Ambry Variant Classification Scheme 2023. Collection method: clinical testing. Allele origin: germline.
Comment: The p.Y421D variant (also known as c.1261T>G), located in coding exon 3 of the CASR gene, results from a T to G substitution at nucleotide position 1261. The tyrosine at codon 421 is replaced by aspartic acid, an amino acid with highly dissimilar properties. This amino acid position is conserved. In addition, this alteration is predicted to be deleterious by in silico analysis. Since supporting evidence is limited at this time, the clinical significance of this alteration remains unclear.

NM_000388.4(CASR):c.1261T>G (p.Tyr421Asp)

Gene: CASR (calcium sensing receptor; plus strand). Cytogenetic location: 3q21.1.
Variant type: single nucleotide variant.
Coding change: c.1261T>G on transcript NM_000388.4 (MANE Select); coding-DNA position 1261, T replaced by G.
Protein change: p.Tyr421Asp; replaces tyrosine 421 with aspartic acid.
Molecular consequence: missense variant.
Genome position (GRCh38, 1-based): chr3:122,262,296, T>G. VCF-style: chr3-122262296-T-G. GRCh37 (hg19) VCF-style: chr3-121981143-T-G.
Other names: c.1261T>G, p.Tyr421Asp (NM_001178065.2); short protein forms Y421D.
Identifiers: ClinVar variation 3231492 (VCV003231492.1), dbSNP rs2473228810, ClinGen allele CA354152942.